The following is an entry in ClinVar:

NM_004064.5(CDKN1B):c.287A>G (p.Lys96Arg)

Gene: CDKN1B (cyclin dependent kinase inhibitor 1B; plus strand). Cytogenetic location: 12p13.1.
Variant type: single nucleotide variant.
Coding change: c.287A>G on transcript NM_004064.5 (MANE Select); coding-DNA position 287, A replaced by G.
Protein change: p.Lys96Arg; replaces lysine 96 with arginine.
Molecular consequence: missense variant.
Genome position (GRCh38, 1-based): chr12:12,718,126, A>G. VCF-style: chr12-12718126-A-G. GRCh37 (hg19) VCF-style: chr12-12871060-A-G.
Other names: c.287A>G (NM_004064.3); short protein forms K96R.
Identifiers: ClinVar variation 1063529 (VCV001063529.10), dbSNP rs1297219334, ClinGen allele CA383970041.
Genomic context (GRCh38, chr12:12,718,126, plus strand): 5'-GGCAAGAGGTGGAGAAGGGCAGCTTGCCCGAGTTCTACTACAGACCCCCGCGGCCCCCCA[A>G]AGGTGCCTGCAAGGTGCCGGCGCAGGAGAGCCAGGATGTCAGCGGGAGCCGCCCGGCGGC-3'
Protein context (NP_004055.1, residues 86-106): EFYYRPPRPP[Lys96Arg]GACKVPAQES

ClinVar aggregate classification (germline): Uncertain significance. Review status: criteria provided, multiple submitters, no conflicts (2 of 4 stars). 2 submissions from 2 submitters: Uncertain significance (2). Last evaluated 2025-06-15.

Conditions:
Multiple endocrine neoplasia type 4. Also called: MULTIPLE ENDOCRINE NEOPLASIA, TYPE IV. Identifiers: Orphanet 276152, MedGen C1970712, MONDO:0012552, OMIM 610755.
Hereditary cancer-predisposing syndrome. Also called: Tumor predisposition; Neoplastic Syndromes, Hereditary; Hereditary Cancer Syndrome; Hereditary neoplastic syndrome. Identifiers: Orphanet 140162, MedGen C0027672, MeSH D009386, MONDO:0015356.

Allele frequency attached by ClinVar (database versions not stated): gnomAD exomes below 0.00001 and 0.00001; TOPMed 0.00001.
gnomAD v4.1: 3 of 1,614,124 alleles (0.00019%); highest among the groups gnomAD compares: South Asian, 0.0011%; no homozygotes.

Submissions (2):

Labcorp Genetics (formerly Invitae), Labcorp
Classification: Uncertain significance for Multiple endocrine neoplasia type 4. Last evaluated: 2025-06-15. Review status: criteria provided, single submitter. Criteria: Invitae Variant Classification Sherloc (09022015). Collection method: clinical testing. Allele origin: germline.
Comment: This sequence change replaces lysine, which is basic and polar, with arginine, which is basic and polar, at codon 96 of the CDKN1B protein (p.Lys96Arg). This variant is present in population databases (no rsID available, gnomAD 0.0009%). This variant has not been reported in the literature in individuals affected with CDKN1B-related conditions. ClinVar contains an entry for this variant (Variation ID: 1063529). An algorithm developed to predict the effect of missense changes on protein structure and function (PolyPhen-2) suggests that this variant is likely to be tolerated. In summary, the available evidence is currently insufficient to determine the role of this variant in disease. Therefore, it has been classified as a Variant of Uncertain Significance.

Ambry Genetics
Classification: Uncertain significance for Hereditary cancer-predisposing syndrome. Last evaluated: 2024-09-16. Review status: criteria provided, single submitter. Criteria: Ambry Variant Classification Scheme 2023. Collection method: clinical testing. Allele origin: germline.
Comment: The p.K96R variant (also known as c.287A>G), located in coding exon 1 of the CDKN1B gene, results from an A to G substitution at nucleotide position 287. The lysine at codon 96 is replaced by arginine, an amino acid with highly similar properties. This amino acid position is well conserved in available vertebrate species. In addition, this alteration is predicted to be tolerated by in silico analysis. Based on the available evidence, the clinical significance of this variant remains unclear.